The following is an entry in ClinVar:

ClinVar aggregate classification (germline): Uncertain significance (1 of 4 stars; one submission).

gnomAD v4.1: 12 of 700,314 alleles (0.0017%); highest among the groups gnomAD compares: East Asian, 0.027%; 1 homozygote.

Submission:

Labcorp Genetics (formerly Invitae), Labcorp
Classification: Uncertain significance. Last evaluated: 2025-04-14. Review status: criteria provided, single submitter. Criteria: Invitae Variant Classification Sherloc (09022015). Collection method: clinical testing. Allele origin: germline.
Comment: This variant occurs in the RNU4ATAC gene, which encodes an RNA molecule that does not result in a protein product. This variant is not present in population databases (gnomAD no frequency). This variant has not been reported in the literature in individuals affected with RNU4ATAC-related conditions. ClinVar contains an entry for this variant (Variation ID: 1348711). Experimental studies and prediction algorithms are not available or were not evaluated, and the functional significance of this variant is currently unknown. In summary, the available evidence is currently insufficient to determine the role of this variant in disease. Therefore, it has been classified as a Variant of Uncertain Significance.

NC_000002.12:g.121530976T>C

Genes: CLASP1 (cytoplasmic linker associated protein 1; minus strand), CLASP1-AS1 (CLASP1 antisense RNA 1; plus strand), RNU4ATAC (RNA, U4atac small nuclear; plus strand). Cytogenetic location: 2q14.2.
Variant type: single nucleotide variant.
Molecular consequence: intron variant (on NM_001395891.1).
Genome position: GRCh38 VCF-style: chr2-121530976-T-C. GRCh37 (hg19) VCF-style: chr2-122288552-T-C.
Other names: c.196-651A>G (NM_001142274.2, NM_015282.3, NM_001378003.1 and 5 more transcripts).
Identifiers: ClinVar variation 1348711 (VCV001348711.4), dbSNP rs371749022, ClinGen allele CA54810981.